The following is an entry in ClinVar:

ClinVar aggregate classification (germline): Uncertain significance. Review status: criteria provided, multiple submitters, no conflicts (2 of 4 stars). 2 submissions from 2 submitters: Uncertain significance (2). Last evaluated 2023-11-09.

Conditions:
Hereditary pancreatitis (PCTT). Also called: Hereditary chronic pancreatitis; PRSS1-Related Hereditary Pancreatitis. Identifiers: Orphanet 676, MedGen C0238339, MONDO:0008185, OMIM 167800.

Allele frequency attached by ClinVar (database versions not stated): TOPMed below 0.00001; gnomAD 0.00001; gnomAD exomes 0.00002.
gnomAD v4.1: 33 of 1,613,726 alleles (0.002%); highest among the groups gnomAD compares: Non-Finnish European, 0.0025%; no homozygotes.

Submissions (2):

Ambry Genetics
Classification: Uncertain significance for Hereditary pancreatitis. Last evaluated: 2023-11-09. Review status: criteria provided, single submitter. Criteria: Ambry Variant Classification Scheme 2023. Collection method: clinical testing. Allele origin: germline.
Comment: The p.L113H variant (also known as c.338T>A), located in coding exon 3 of the PRSS1 gene, results from a T to A substitution at nucleotide position 338. The leucine at codon 113 is replaced by histidine, an amino acid with similar properties. This amino acid position is conserved. In addition, this alteration is predicted to be deleterious by in silico analysis. Since supporting evidence is limited at this time, the clinical significance of this alteration remains unclear.

Labcorp Genetics (formerly Invitae), Labcorp
Classification: Uncertain significance for Hereditary pancreatitis. Last evaluated: 2022-11-14. Review status: criteria provided, single submitter. Criteria: Invitae Variant Classification Sherloc (09022015). Collection method: clinical testing. Allele origin: germline.
Comment: In summary, the available evidence is currently insufficient to determine the role of this variant in disease. Therefore, it has been classified as a Variant of Uncertain Significance. This sequence change replaces leucine, which is neutral and non-polar, with histidine, which is basic and polar, at codon 113 of the PRSS1 protein (p.Leu113His). The frequency data for this variant in the population databases is considered unreliable, as metrics indicate poor data quality at this position in the gnomAD database. This variant has not been reported in the literature in individuals affected with PRSS1-related conditions. Advanced modeling of protein sequence and biophysical properties (such as structural, functional, and spatial information, amino acid conservation, physicochemical variation, residue mobility, and thermodynamic stability) performed at Invitae indicates that this missense variant is expected to disrupt PRSS1 protein function. Algorithms developed to predict the effect of sequence changes on RNA splicing suggest that this variant may disrupt the consensus splice site.

NM_002769.5(PRSS1):c.338T>A (p.Leu113His)

Genes: TRB (T cell receptor beta locus; plus strand), PRSS1 (serine protease 1; plus strand). Cytogenetic location: 7q34.
Variant type: single nucleotide variant.
Coding change: c.338T>A on transcript NM_002769.5 (MANE Select); coding-DNA position 338, T replaced by A.
Protein change: p.Leu113His; replaces leucine 113 with histidine.
Molecular consequence: missense variant. On other transcripts: non-coding transcript variant (4).
Genome position (GRCh38, 1-based): chr7:142,751,911, T>A. VCF-style: chr7-142751911-T-A. GRCh37 (hg19) VCF-style: chr7-142459762-T-A.
Other names: short protein forms L113H.
Identifiers: ClinVar variation 1730891 (VCV001730891.5), dbSNP rs1426710453, ClinGen allele CA369608852.